The following is an entry in ClinVar:

NM_014474.4(SMPDL3B):c.1059G>A (p.Pro353=)

Gene: SMPDL3B (sphingomyelin phosphodiesterase acid like 3B; plus strand). Cytogenetic location: 1p35.3.
Variant type: single nucleotide variant.
Coding change: c.1059G>A on transcript NM_014474.4 (MANE Select); coding-DNA position 1059, G replaced by A.
Protein change: p.Pro353=; no amino-acid change (proline 353 retained).
Molecular consequence: synonymous variant.
Genome position (GRCh38, 1-based): chr1:27,958,529, G>A. VCF-style: chr1-27958529-G-A. GRCh37 (hg19) VCF-style: chr1-28285040-G-A.
Other names: c.441G>A, p.Pro147= (NM_001304579.2).
Identifiers: ClinVar variation 2638578 (VCV002638578.24), dbSNP rs199667511, ClinGen allele CA718804.

ClinVar aggregate classification (germline): Likely benign (1 of 4 stars; one submission).

Allele frequency attached by ClinVar (database versions not stated): ExAC 0.00012; 1000 Genomes Project 0.00060; 1000 Genomes Project 30x 0.00062.
gnomAD v4.1: 78 of 1,613,746 alleles (0.0048%); highest among the groups gnomAD compares: East Asian, 0.071%; 1 homozygote.

Submission:

CeGaT Center for Human Genetics Tuebingen
Classification: Likely benign. Last evaluated: 2022-06-01. Review status: criteria provided, single submitter. Criteria: CeGaT Center For Human Genetics Tuebingen Variant Classification Criteria Version 2. Collection method: clinical testing. Allele origin: germline. Affected: yes. Observed: 1 variant allele.
Comment: SMPDL3B: BP4, BP7